The following is an entry in ClinVar:

ClinVar aggregate classification (germline): Uncertain significance. Review status: criteria provided, multiple submitters, no conflicts (2 of 4 stars). 2 submissions from 2 submitters: Uncertain significance (2). Last evaluated 2022-07-01.

Allele frequency attached by ClinVar (database versions not stated): gnomAD 0.00001 and 0.00002; gnomAD exomes 0.00002 and 0.00004; TOPMed 0.00002; ExAC 0.00003.
gnomAD v4.1: 31 of 1,613,596 alleles (0.0019%); highest among the groups gnomAD compares: Admixed American, 0.01%; no homozygotes.

Submissions (2):

Labcorp Genetics (formerly Invitae), Labcorp
Classification: Uncertain significance. Last evaluated: 2022-07-01. Review status: criteria provided, single submitter. Criteria: Invitae Variant Classification Sherloc (09022015). Collection method: clinical testing. Allele origin: germline.
Comment: This sequence change replaces proline, which is neutral and non-polar, with serine, which is neutral and polar, at codon 614 of the GRM6 protein (p.Pro614Ser). This variant is present in population databases (rs762650590, gnomAD 0.02%). This variant has not been reported in the literature in individuals affected with GRM6-related conditions. ClinVar contains an entry for this variant (Variation ID: 1411962). Advanced modeling of protein sequence and biophysical properties (such as structural, functional, and spatial information, amino acid conservation, physicochemical variation, residue mobility, and thermodynamic stability) performed at Invitae indicates that this missense variant is expected to disrupt GRM6 protein function. In summary, the available evidence is currently insufficient to determine the role of this variant in disease. Therefore, it has been classified as a Variant of Uncertain Significance.

Blueprint Genetics
Classification: Uncertain significance. Last evaluated: 2018-08-31. Review status: criteria provided, single submitter. Criteria: ACMG Guidelines, 2015. Collection method: clinical testing. Allele origin: germline.

NM_000843.4(GRM6):c.1840C>T (p.Pro614Ser)

Genes: GRM6 (glutamate metabotropic receptor 6; minus strand), ZNF454 (zinc finger protein 454; plus strand). Cytogenetic location: 5q35.3.
Variant type: single nucleotide variant.
Coding change: c.1840C>T on transcript NM_000843.4 (MANE Select); coding-DNA position 1840, C replaced by T.
Protein change: p.Pro614Ser; replaces proline 614 with serine.
Molecular consequence: missense variant.
Genome position (GRCh38, 1-based): chr5:178,986,414, G>A on the plus strand (C>T on the coding strand, the complement: GRM6 is on the minus strand). VCF-style: chr5-178986414-G-A. GRCh37 (hg19) VCF-style: chr5-178413415-G-A.
Other names: short protein forms P614S.
Identifiers: ClinVar variation 1411962 (VCV001411962.8), dbSNP rs762650590, ClinGen allele CA3593911.
Genomic context (GRCh38, chr5:178,986,414, plus strand): 5'-TGAGGAAGATGCCGGTGAGGAGGACGTAGCTGAGCTCTCGGCCCGAGGCCCGGACGATGG[G>A]CGTGTTGTTGTACCGCACGAAGGTGGCCACCACCGTGGTAGTGGCCACGATGCCCAGCAC-3'
Protein context (NP_000834.2, residues 604-624): VATFVRYNNT[Pro614Ser]IVRASGRELS